The following is an entry in ClinVar:

ClinVar aggregate classification (germline): Uncertain significance (1 of 4 stars; one submission).

Submission:

Labcorp Genetics (formerly Invitae), Labcorp
Classification: Uncertain significance. Last evaluated: 2024-02-26. Review status: criteria provided, single submitter. Criteria: Invitae Variant Classification Sherloc (09022015). Collection method: clinical testing. Allele origin: germline.
Comment: This sequence change replaces proline, which is neutral and non-polar, with leucine, which is neutral and non-polar, at codon 86 of the AHDC1 protein (p.Pro86Leu). This variant is not present in population databases (gnomAD no frequency). This variant has not been reported in the literature in individuals affected with AHDC1-related conditions. ClinVar contains an entry for this variant (Variation ID: 2026924). An algorithm developed to predict the effect of missense changes on protein structure and function (PolyPhen-2) suggests that this variant is likely to be disruptive. In summary, the available evidence is currently insufficient to determine the role of this variant in disease. Therefore, it has been classified as a Variant of Uncertain Significance.

NM_001371928.1(AHDC1):c.257C>T (p.Pro86Leu)

Gene: AHDC1 (AT-hook DNA binding motif containing 1; minus strand). Cytogenetic location: 1p36.11.
Variant type: single nucleotide variant.
Coding change: c.257C>T on transcript NM_001371928.1 (MANE Select); coding-DNA position 257, C replaced by T.
Protein change: p.Pro86Leu; replaces proline 86 with leucine.
Molecular consequence: missense variant.
Genome position (GRCh38, 1-based): chr1:27,551,859, G>A on the plus strand (C>T on the coding strand, the complement: AHDC1 is on the minus strand). VCF-style: chr1-27551859-G-A. GRCh37 (hg19) VCF-style: chr1-27878370-G-A.
Other names: c.257C>T, p.Pro86Leu (NM_001029882.3); short protein forms P86L.
Identifiers: ClinVar variation 2026924 (VCV002026924.4), dbSNP rs2019586808, ClinGen allele CA339238156.